The following is an entry in ClinVar:

NM_198578.4(LRRK2):c.1910G>A (p.Arg637Gln)

Gene: LRRK2 (leucine rich repeat kinase 2; plus strand). Cytogenetic location: 12q12.
Variant type: single nucleotide variant.
Coding change: c.1910G>A on transcript NM_198578.4 (MANE Select); coding-DNA position 1910, G replaced by A.
Protein change: p.Arg637Gln; replaces arginine 637 with glutamine.
Molecular consequence: missense variant.
Genome position (GRCh38, 1-based): chr12:40,274,962, G>A. VCF-style: chr12-40274962-G-A. GRCh37 (hg19) VCF-style: chr12-40668764-G-A.
Other names: short protein forms R637Q.
Identifiers: ClinVar variation 1396128 (VCV001396128.10), dbSNP rs775900740, ClinGen allele CA6513488.

ClinVar aggregate classification (germline): Uncertain significance. Review status: criteria provided, multiple submitters, no conflicts (2 of 4 stars). 2 submissions from 2 submitters: Uncertain significance (2). Last evaluated 2025-08-21.

Conditions:
Autosomal dominant Parkinson disease 8. Also called: LRRK2-Related Parkinson Disease; Parkinson disease 8; Parkinson disease 8, susceptibility to. Identifiers: Orphanet 411602, MedGen C1846862, MONDO:0011764, OMIM 607060.
Inborn genetic diseases. Identifiers: MedGen C0950123, MeSH D030342.

Allele frequency attached by ClinVar (database versions not stated): gnomAD 0.00001 and 0.00002; gnomAD exomes 0.00001 and 0.00003; TOPMed 0.00001; ExAC 0.00002.
gnomAD v4.1: 44 of 1,613,780 alleles (0.0027%); highest among the groups gnomAD compares: Non-Finnish European, 0.003%; no homozygotes.

Submissions (2):

Ambry Genetics
Classification: Uncertain significance for Inborn genetic diseases. Last evaluated: 2025-08-21. Review status: criteria provided, single submitter. Criteria: Ambry Variant Classification Scheme 2023. Collection method: clinical testing. Allele origin: germline.

Labcorp Genetics (formerly Invitae), Labcorp
Classification: Uncertain significance for Autosomal dominant Parkinson disease 8. Last evaluated: 2021-10-09. Review status: criteria provided, single submitter. Criteria: Invitae Variant Classification Sherloc (09022015). Collection method: clinical testing. Allele origin: germline.
Comment: In summary, the available evidence is currently insufficient to determine the role of this variant in disease. Therefore, it has been classified as a Variant of Uncertain Significance. Algorithms developed to predict the effect of missense changes on protein structure and function are either unavailable or do not agree on the potential impact of this missense change (SIFT: "Tolerated"; PolyPhen-2: "Probably Damaging"; Align-GVGD: "Class C0"). This variant has not been reported in the literature in individuals affected with LRRK2-related conditions. This variant is present in population databases (rs775900740, ExAC 0.003%). This sequence change replaces arginine with glutamine at codon 637 of the LRRK2 protein (p.Arg637Gln). The arginine residue is weakly conserved and there is a small physicochemical difference between arginine and glutamine.